The following is an entry in ClinVar:

NM_000543.5(SMPD1):c.1092-1G>C

Gene: SMPD1 (sphingomyelin phosphodiesterase 1; plus strand). Cytogenetic location: 11p15.4.
Variant type: single nucleotide variant.
Coding change: c.1092-1G>C on transcript NM_000543.5 (MANE Select); the canonical splice acceptor site of the intron before coding-DNA position 1092, G replaced by C.
Molecular consequence: splice acceptor variant. On other transcripts: intron variant (1).
Genome position (GRCh38, 1-based): chr11:6,393,215, G>C. VCF-style: chr11-6393215-G-C. GRCh37 (hg19) VCF-style: chr11-6414445-G-C.
Other names: c.171-1G>C (NM_001318088.2); c.1132-402G>C (NM_001365135.2); c.1092-1G>C (NM_001318087.2); c.1089-1G>C (NM_001007593.3).
Identifiers: ClinVar variation 93312 (VCV000093312.63), dbSNP rs398123474, ClinGen allele CA221143.

ClinVar aggregate classification (germline): Pathogenic. Review status: criteria provided, multiple submitters, no conflicts (2 of 4 stars). 8 submissions from 8 submitters: Pathogenic (7). 1 of the submissions does not count toward it. Last evaluated 2025-12-29.

Conditions:
Niemann-Pick disease, type B. Also called: Chronic Visceral ASMD (Niemann-Pick Disease Type B; NPD-B). Identifiers: Orphanet 77293, MedGen C0268243, MONDO:0011871, OMIM 607616. Disease mechanism: loss of function.
Niemann-Pick disease, type A. Also called: SPHINGOMYELIN LIPIDOSIS; SPHINGOMYELINASE DEFICIENCY; Infantile Neurovisceral ASMD (Niemann-Pick Disease Type A; NPD-A). Identifiers: Orphanet 77292, MedGen C0268242, MONDO:0009756, OMIM 257200. Disease mechanism: loss of function.

Allele frequency attached by ClinVar (database versions not stated): TOPMed 0.00002.
gnomAD v4.1: 8 of 1,613,656 alleles (0.0005%); highest among the groups gnomAD compares: Non-Finnish European, 0.00034%; no homozygotes.

Submissions (8):

Natera, Inc.
Classification: Pathogenic for Niemann-Pick Disease, Types A/B. Last evaluated: 2025-12-29. Review status: criteria provided, single submitter. Criteria: Natera Variant Classification Schema (03/2026). Collection method: clinical testing. Allele origin: germline.
Comment: The c.1092-1G>C variant in SMPD1 is a canonical splice acceptor site variant predicted to affect pre-mRNA splicing, which may result in an abnormal transcript and altered protein product. This variant is expected to result in nonsense mediated decay, truncation, or a dysfunctional protein product. This variant is rare in the general population with a frequency below the threshold expected for the associated phenotype(s). This variant has been observed in one or more individuals affected with the associated recessive disease, as either homozygous or compound heterozygous with a second variant (PMID: 8499909). Given the available evidence, this variant is classified as Pathogenic.

Baylor Genetics
Classification: Pathogenic for Niemann-Pick disease, type A. Last evaluated: 2024-03-19. Review status: criteria provided, single submitter. Criteria: ACMG Guidelines, 2015. Collection method: clinical testing. Allele origin: unknown.

Labcorp Genetics (formerly Invitae), Labcorp
Classification: Pathogenic for Niemann-Pick disease, type B; Niemann-Pick disease, type A. Last evaluated: 2023-11-14. Review status: criteria provided, single submitter. Criteria: Invitae Variant Classification Sherloc (09022015). Collection method: clinical testing. Allele origin: germline.
Comment: This sequence change affects an acceptor splice site in intron 2 of the SMPD1 gene. It is expected to disrupt RNA splicing. Variants that disrupt the donor or acceptor splice site typically lead to a loss of protein function (PMID: 16199547), and loss-of-function variants in SMPD1 are known to be pathogenic (PMID: 12369017, 15221801). This variant is not present in population databases (gnomAD no frequency). Disruption of this splice site has been observed in individuals with acid sphingomyelinase deficiency (PMID: 8499909, 17011332, 30795770). This variant is also known as g2610c, IVS2-1G>C. ClinVar contains an entry for this variant (Variation ID: 93312). Algorithms developed to predict the effect of sequence changes on RNA splicing suggest that this variant may disrupt the consensus splice site. For these reasons, this variant has been classified as Pathogenic.

GeneDx
Classification: Pathogenic. Last evaluated: 2022-11-11. Review status: criteria provided, single submitter. Criteria: GeneDx Variant Classification Process June 2021. Collection method: clinical testing. Allele origin: germline. Affected: yes.
Comment: Canonical splice site variant predicted to result in a null allele in a gene for which loss-of-function is a known mechanism of disease; Not observed at significant frequency in large population cohorts (gnomAD); This variant is associated with the following publications: (PMID: 25525159, 26499107, 30795770, 8499909)

Women's Health and Genetics/Laboratory Corporation of America, LabCorp
Classification: Pathogenic for Niemann-Pick disease, type A. Last evaluated: 2020-12-09. Review status: criteria provided, single submitter. Criteria: LabCorp Variant Classification Summary - May 2015. Collection method: clinical testing. Allele origin: germline.
Comment: Variant summary: SMPD1 c.1092-1G>C is located in a canonical splice-site and is predicted to affect mRNA splicing resulting in a significantly altered protein due to either exon skipping, shortening, or inclusion of intronic material. Several computational tools predict a significant impact on normal splicing: Four predict the variant abolishes a 3 acceptor site. In support of these predictions, a functional study reported the variant to cause skipping of exon 3, resulting in a catalytically inactive ASM protein in cell-based assays (Levran_1993). The variant was absent in 248962 control chromosomes (gnomAD). c.1092-1G>C, has been reported in the literature in individuals affected with Niemann-Pick Disease Type A and Type B, one of whom was homozygous for the variant and was reported to have a severe phenotype of Type A (Levran_1993, Lipinski_2019, Wasserstein_2006). These data indicate that the variant is likely to be associated with disease. Peripheral blood leukocytes of a patient carrying the variant and also, c.496G>A (p.Gly166Arg) were determined to have 20% ASM residual activity (Lipinski_2019). Three ClinVar submitters (evaluation after 2014) cite the variant as pathogenic (2x) and likely pathogenic (1x). Based on the evidence outlined above, the variant was classified as pathogenic.

CeGaT Center for Human Genetics Tuebingen
Classification: Pathogenic. Last evaluated: 2020-07-01. Review status: criteria provided, single submitter. Criteria: CeGaT Center For Human Genetics Tuebingen Variant Classification Criteria Version 2. Collection method: clinical testing. Allele origin: germline. Affected: yes. Observed: 4 variant alleles.

Eurofins Ntd Llc (ga)
Classification: Pathogenic. Last evaluated: 2016-01-12. Review status: criteria provided, single submitter. Criteria: EGL Classification Definitions. Collection method: clinical testing. Allele origin: germline. Observed: 4 variant alleles, 4 heterozygotes.

Counsyl
Classification: Likely pathogenic for Niemann-Pick disease, type A. Last evaluated: 2016-04-21. Review status: no assertion criteria provided. Collection method: clinical testing. Allele origin: unknown. Not counted in ClinVar's aggregate classification.

Literature cited by the submitters: PubMed 8499909 (cited by 4 submitters); PubMed 16199547 (cited by Labcorp Genetics (formerly Invitae), Labcorp); PubMed 12369017 (cited by Labcorp Genetics (formerly Invitae), Labcorp); PubMed 15221801 (cited by Labcorp Genetics (formerly Invitae), Labcorp); PubMed 17011332 (cited by 3 submitters); PubMed 30795770 (cited by Labcorp Genetics (formerly Invitae), Labcorp and Women's Health and Genetics/Laboratory Corporation of America, LabCorp); PubMed 26499107 (cited by Women's Health and Genetics/Laboratory Corporation of America, LabCorp); PubMed 1840600 (cited by Counsyl).